The following is an entry in ClinVar:

ClinVar aggregate classification (germline): Uncertain significance (1 of 4 stars; one submission).

Allele frequency attached by ClinVar (database versions not stated): gnomAD exomes below 0.00001; TOPMed below 0.00001; ExAC 0.00001; gnomAD 0.00001.
gnomAD v4.1: 2 of 1,613,744 alleles (0.00012%); highest among the groups gnomAD compares: African/African-American, 0.0027%; no homozygotes.

Submission:

Labcorp Genetics (formerly Invitae), Labcorp
Classification: Uncertain significance. Last evaluated: 2022-01-03. Review status: criteria provided, single submitter. Criteria: Invitae Variant Classification Sherloc (09022015). Collection method: clinical testing. Allele origin: germline.
Comment: This sequence change replaces leucine, which is neutral and non-polar, with isoleucine, which is neutral and non-polar, at codon 987 of the ERCC6 protein (p.Leu987Ile). This variant is present in population databases (rs760686954, gnomAD 0.008%). This variant has not been reported in the literature in individuals affected with ERCC6-related conditions. Algorithms developed to predict the effect of missense changes on protein structure and function are either unavailable or do not agree on the potential impact of this missense change (SIFT: "Deleterious"; PolyPhen-2: "Probably Damaging"; Align-GVGD: "Class C0"). In summary, the available evidence is currently insufficient to determine the role of this variant in disease. Therefore, it has been classified as a Variant of Uncertain Significance.

NM_000124.4(ERCC6):c.2959C>A (p.Leu987Ile)

Gene: ERCC6 (ERCC excision repair 6, chromatin remodeling factor; minus strand). Cytogenetic location: 10q11.23.
Variant type: single nucleotide variant.
Coding change: c.2959C>A on transcript NM_000124.4 (MANE Select); coding-DNA position 2959, C replaced by A.
Protein change: p.Leu987Ile; replaces leucine 987 with isoleucine.
Molecular consequence: missense variant.
Genome position (GRCh38, 1-based): chr10:49,471,086, G>T on the plus strand (C>A on the coding strand, the complement: ERCC6 is on the minus strand). VCF-style: chr10-49471086-G-T. GRCh37 (hg19) VCF-style: chr10-50679132-G-T.
Other names: c.2959C>A, p.Leu987Ile (NM_001346440.2); short protein forms L987I.
Identifiers: ClinVar variation 2072031 (VCV002072031.4), dbSNP rs760686954, ClinGen allele CA5495461.